The following is an entry in ClinVar:

ClinVar aggregate classification (germline): Uncertain significance (1 of 4 stars; one submission).

gnomAD v4.1: 10 of 1,612,122 alleles (0.00062%); highest among the groups gnomAD compares: Non-Finnish European, 0.00076%; no homozygotes.

Submission:

Women's Health and Genetics/Laboratory Corporation of America, LabCorp
Classification: Uncertain significance. Last evaluated: 2024-11-08. Review status: criteria provided, single submitter. Criteria: LabCorp Variant Classification Summary - May 2015. Collection method: clinical testing. Allele origin: germline.
Comment: Variant summary: MAGEL2 c.2881C>T (p.Pro961Ser) results in a non-conservative amino acid change in the encoded protein sequence. Two of three in-silico tools predict a damaging effect of the variant on protein function. The variant allele was found at a frequency of 2e-05 in 246138 control chromosomes. The available data on variant occurrences in the general population are insufficient to allow any conclusion about variant significance. To our knowledge, no occurrence of c.2881C>T in individuals affected with Schaaf-Yang Syndrome and no experimental evidence demonstrating its impact on protein function have been reported. No submitters have cited clinical-significance assessments for this variant to ClinVar. Based on the evidence outlined above, the variant was classified as uncertain significance.

NM_019066.5(MAGEL2):c.2881C>T (p.Pro961Ser)

Gene: MAGEL2 (MAGE family member L2; minus strand). Cytogenetic location: 15q11.2.
Variant type: single nucleotide variant.
Coding change: c.2881C>T on transcript NM_019066.5 (MANE Select); coding-DNA position 2881, C replaced by T.
Protein change: p.Pro961Ser; replaces proline 961 with serine.
Molecular consequence: missense variant.
Genome position (GRCh38, 1-based): chr15:23,644,862, G>A on the plus strand (C>T on the coding strand, the complement: MAGEL2 is on the minus strand). VCF-style: chr15-23644862-G-A. GRCh37 (hg19) VCF-style: chr15-23890009-G-A.
Other names: short protein forms P961S.
Identifiers: ClinVar variation 3629765 (VCV003629765.1).